The following is an entry in ClinVar:

NM_000038.6(APC):c.835-3531G>T

Gene: APC (APC regulator of WNT signaling pathway; plus strand). Cytogenetic location: 5q22.2.
Variant type: single nucleotide variant.
Coding change: c.835-3531G>T on transcript NM_000038.6 (MANE Select); 3531 bases into the intron before coding-DNA position 835, G replaced by T.
Molecular consequence: intron variant.
Genome position (GRCh38, 1-based): chr5:112,811,964, G>T. VCF-style: chr5-112811964-G-T. GRCh37 (hg19) VCF-style: chr5-112147661-G-T.
Other names: c.835-3531G>T (NM_001354895.2, NM_001127510.3, NM_001354896.2 and 1 more transcripts); c.865-3531G>T (NM_001354897.2, NM_001354902.2); c.781-3531G>T (NM_001127511.3); c.760-3531G>T (NM_001354898.2, NM_001354904.2); c.-16+1653G>T (NM_001354906.2); c.751-3531G>T (NM_001354899.2); c.658-3531G>T (NM_001354900.2, NM_001354901.2, NM_001354905.2).
Identifiers: ClinVar variation 82547 (VCV000082547.2), dbSNP rs78088180, ClinGen allele CA015158.
Genomic context (GRCh38, chr5:112,811,964, plus strand): 5'-TGCAGTCATCTCCACACATAACCAGGGGAGGATCTGCTTCTAAGTTCACTTACGGCTATT[G>T]AAGGCCTCAGATCCTCATTGGATGTCAGCCAGAGAGACATCAGTTCCTTGTTACATGGGC-3'

ClinVar aggregate classification (germline): other (0 of 4 stars; one submission).

Conditions:
Familial colorectal cancer. Identifiers: MedGen CN280943, MONDO:0023113. Disease mechanism: loss of function.

Submission:

Systems Biology Platform Zhejiang California International NanoSystems Institute
Classification: other for Familial colorectal cancer. Review status: no assertion criteria provided. Collection method: not provided. Allele origin: unknown.
ClinVar note: Converted during submission from cancer to other.